The following is an entry in ClinVar:

ClinVar aggregate classification (germline): Uncertain significance (1 of 4 stars; one submission).

Submission:

Labcorp Genetics (formerly Invitae), Labcorp
Classification: Uncertain significance. Last evaluated: 2025-07-08. Review status: criteria provided, single submitter. Criteria: Invitae Variant Classification Sherloc (09022015). Collection method: clinical testing. Allele origin: germline.
Comment: This sequence change replaces isoleucine, which is neutral and non-polar, with phenylalanine, which is neutral and non-polar, at codon 629 of the ATP2C1 protein (p.Ile629Phe). This variant is not present in population databases (gnomAD no frequency). This variant has not been reported in the literature in individuals affected with ATP2C1-related conditions. Invitae Evidence Modeling of protein sequence and biophysical properties (such as structural, functional, and spatial information, amino acid conservation, physicochemical variation, residue mobility, and thermodynamic stability) indicates that this missense variant is expected to disrupt ATP2C1 protein function with a positive predictive value of 80%. In summary, the available evidence is currently insufficient to determine the role of this variant in disease. Therefore, it has been classified as a Variant of Uncertain Significance.

NM_001378687.1(ATP2C1):c.1885A>T (p.Ile629Phe)

Gene: ATP2C1 (ATPase secretory pathway Ca2+ transporting 1; plus strand). Cytogenetic location: 3q22.1.
Variant type: single nucleotide variant.
Coding change: c.1885A>T on transcript NM_001378687.1 (MANE Select); coding-DNA position 1885, A replaced by T.
Protein change: p.Ile629Phe; replaces isoleucine 629 with phenylalanine.
Molecular consequence: missense variant.
Genome position (GRCh38, 1-based): chr3:130,992,996, A>T. VCF-style: chr3-130992996-A-T. GRCh37 (hg19) VCF-style: chr3-130711840-A-T.
Other names: c.1885A>T, p.Ile629Phe (NM_001001485.3, NM_001001486.2, NM_001001487.2 and 5 more transcripts); c.1987A>T, p.Ile663Phe (NM_001199180.2, NM_001199181.3, NM_001378511.1); c.1870A>T, p.Ile624Phe (NM_001199182.2); c.1837A>T, p.Ile613Phe (NM_001199183.2, NM_001199184.3, NM_001378514.1); short protein forms I613F, I663F, I624F, I629F.
Identifiers: ClinVar variation 4741368 (VCV004741368.1).
Genomic context (GRCh38, chr3:130,992,996, plus strand): 5'-CTTGTATTTTAACAGGTTGCAGTATTTTACAGAGCTAGCCCAAGGCACAAGATGAAAATT[A>T]TTAAGGTGAGTGTGTAAGAATCAGATTGTTTTATTTCTGTATACAAAATGCTGCTACTTT-3'
Protein context (NP_001365616.1, residues 619-639): RASPRHKMKI[Ile629Phe]KSLQKNGSVV